The following is an entry in ClinVar:

NM_000081.4(LYST):c.11393A>G (p.Tyr3798Cys)

Gene: LYST (lysosomal trafficking regulator; minus strand). Cytogenetic location: 1q42.3.
Variant type: single nucleotide variant.
Coding change: c.11393A>G on transcript NM_000081.4 (MANE Select); coding-DNA position 11393, A replaced by G.
Protein change: p.Tyr3798Cys; replaces tyrosine 3798 with cysteine.
Molecular consequence: missense variant.
Genome position (GRCh38, 1-based): chr1:235,662,953, T>C on the plus strand (A>G on the coding strand, the complement: LYST is on the minus strand). VCF-style: chr1-235662953-T-C. GRCh37 (hg19) VCF-style: chr1-235826253-T-C.
Other names: c.11393A>G, p.Tyr3798Cys (NM_001301365.1); short protein forms Y3798C.
Identifiers: ClinVar variation 968096 (VCV000968096.5), dbSNP rs764978673, ClinGen allele CA344983981.

ClinVar aggregate classification (germline): Uncertain significance (1 of 4 stars; one submission).

Conditions:
Chédiak-Higashi syndrome (CHS). Also called: Chediak-Higashi Syndrome. Identifiers: Orphanet 167, MedGen C0007965, MONDO:0008963, OMIM 214500.

gnomAD v4.1: 3 of 1,581,070 alleles (0.00019%); highest among the groups gnomAD compares: East Asian, 0.0045%; no homozygotes.

Submission:

Labcorp Genetics (formerly Invitae), Labcorp
Classification: Uncertain significance for Chédiak-Higashi syndrome. Last evaluated: 2024-08-19. Review status: criteria provided, single submitter. Criteria: Invitae Variant Classification Sherloc (09022015). Collection method: clinical testing. Allele origin: germline.
Comment: This sequence change replaces tyrosine, which is neutral and polar, with cysteine, which is neutral and slightly polar, at codon 3798 of the LYST protein (p.Tyr3798Cys). This variant is present in population databases (no rsID available, gnomAD 0.006%). This variant has not been reported in the literature in individuals affected with LYST-related conditions. ClinVar contains an entry for this variant (Variation ID: 968096). An algorithm developed to predict the effect of missense changes on protein structure and function (PolyPhen-2) suggests that this variant is likely to be disruptive. In summary, the available evidence is currently insufficient to determine the role of this variant in disease. Therefore, it has been classified as a Variant of Uncertain Significance.